The following is an entry in ClinVar:

NM_000492.4(CFTR):c.1165A>T (p.Thr389Ser)

Gene: CFTR (CF transmembrane conductance regulator; plus strand). Cytogenetic location: 7q31.2.
Variant type: single nucleotide variant.
Coding change: c.1165A>T on transcript NM_000492.4 (MANE Select); coding-DNA position 1165, A replaced by T.
Protein change: p.Thr389Ser; replaces threonine 389 with serine.
Molecular consequence: missense variant.
Genome position (GRCh38, 1-based): chr7:117,542,064, A>T. VCF-style: chr7-117542064-A-T. GRCh37 (hg19) VCF-style: chr7-117182118-A-T.
Other names: short protein forms T389S.
Identifiers: ClinVar variation 1737999 (VCV001737999.5), dbSNP rs754159235, ClinGen allele CA4450914.

ClinVar aggregate classification (germline): Uncertain significance. Review status: criteria provided, multiple submitters, no conflicts (2 of 4 stars). 2 submissions from 2 submitters: Uncertain significance (2). Last evaluated 2024-06-26.

Conditions:
Cystic fibrosis (CF). Also called: MUCOVISCIDOSIS. Identifiers: Orphanet 586, MedGen C0010674, MONDO:0009061, OMIM 219700. Disease mechanism: loss of function.

Allele frequency attached by ClinVar (database versions not stated): ExAC 0.00001.
gnomAD v4.1: 2 of 1,603,938 alleles (0.00012%); highest among the groups gnomAD compares: South Asian, 0.0011%; no homozygotes.

Submissions (2):

Ambry Genetics
Classification: Uncertain significance for Cystic fibrosis. Last evaluated: 2024-06-26. Review status: criteria provided, single submitter. Criteria: Ambry Variant Classification Scheme 2023. Collection method: clinical testing. Allele origin: germline.
Comment: The p.T389S variant (also known as c.1165A>T), located in coding exon 9 of the CFTR gene, results from an A to T substitution at nucleotide position 1165. The threonine at codon 389 is replaced by serine, an amino acid with similar properties. This amino acid position is well conserved in available vertebrate species. In addition, the in silico prediction for this alteration is inconclusive. Based on the available evidence, the clinical significance of this variant remains unclear.

Labcorp Genetics (formerly Invitae), Labcorp
Classification: Uncertain significance for Cystic fibrosis. Last evaluated: 2022-05-21. Review status: criteria provided, single submitter. Criteria: Invitae Variant Classification Sherloc (09022015). Collection method: clinical testing. Allele origin: germline.
Comment: This sequence change replaces threonine, which is neutral and polar, with serine, which is neutral and polar, at codon 389 of the CFTR protein (p.Thr389Ser). This variant is present in population databases (rs754159235, gnomAD 0.003%). This variant has not been reported in the literature in individuals affected with CFTR-related conditions. Algorithms developed to predict the effect of missense changes on protein structure and function (SIFT, PolyPhen-2, Align-GVGD) all suggest that this variant is likely to be tolerated. In summary, the available evidence is currently insufficient to determine the role of this variant in disease. Therefore, it has been classified as a Variant of Uncertain Significance.